The following is an entry in ClinVar:

ClinVar aggregate classification (germline): Likely benign (1 of 4 stars; one submission).

gnomAD v4.1: 68 of 1,614,056 alleles (0.0042%); highest among the groups gnomAD compares: African/African-American, 0.087%; no homozygotes.

Submission:

CeGaT Center for Human Genetics Tuebingen
Classification: Likely benign. Last evaluated: 2024-07-01. Review status: criteria provided, single submitter. Criteria: CeGaT Center For Human Genetics Tuebingen Variant Classification Criteria Version 2. Collection method: clinical testing. Allele origin: germline. Affected: yes. Observed: 1 variant allele.
Comment: LRRTM3: BP4, BP7

NM_178011.5(LRRTM3):c.660C>T (p.Leu220=)

Genes: CTNNA3 (catenin alpha 3; minus strand), LRRTM3 (leucine rich repeat transmembrane neuronal 3; plus strand), LOC101928961 (uncharacterized LOC101928961; minus strand). Cytogenetic location: 10q21.3.
Variant type: single nucleotide variant.
Coding change: c.660C>T on transcript NM_178011.5 (MANE Select); coding-DNA position 660, C replaced by T.
Protein change: p.Leu220=; no amino-acid change (leucine 220 retained).
Molecular consequence: synonymous variant. On other transcripts: intron variant (2).
Genome position (GRCh38, 1-based): chr10:66,927,576, C>T. VCF-style: chr10-66927576-C-T. GRCh37 (hg19) VCF-style: chr10-68687334-C-T.
Other names: c.1048-152052G>A (NM_013266.4, NM_001127384.3).
Identifiers: ClinVar variation 3257069 (VCV003257069.17).
Genomic context (GRCh38, chr10:66,927,576, plus strand): 5'-CTTTGCTGGCATGATCAGACTCAAAGAACTTCACCTGGAGCACAATCAATTTTCCAAGCT[C>T]AACCTGGCCCTTTTTCCAAGGTTGGTCAGCCTTCAGAACCTTTACTTGCAGTGGAATAAA-3'
Protein context (NP_821079.3, residues 210-230): LHLEHNQFSK[Leu220=]NLALFPRLVS